The following is an entry in ClinVar:

ClinVar aggregate classification (germline): Uncertain significance (1 of 4 stars; one submission).

Conditions:
Hereditary cancer-predisposing syndrome. Also called: Neoplastic Syndromes, Hereditary; Tumor predisposition; Hereditary Cancer Syndrome; Hereditary neoplastic syndrome. Identifiers: Orphanet 140162, MedGen C0027672, MeSH D009386, MONDO:0015356.

Submission:

Color Diagnostics, LLC DBA Color Health
Classification: Uncertain significance for Hereditary cancer-predisposing syndrome. Last evaluated: 2023-10-30. Review status: criteria provided, single submitter. Criteria: ACMG Guidelines, 2015. Collection method: clinical testing. Allele origin: germline.
Comment: This missense variant replaces cysteine with phenylalanine at codon 2422 of the BRCA2 protein. Computational prediction suggests that this variant may not impact protein structure and function (internally defined REVEL score threshold <= 0.5, PMID: 27666373). To our knowledge, functional studies have not been reported for this variant. This variant has not been reported in individuals affected with BRCA2-related disorders in the literature. This variant has not been identified in the general population by the Genome Aggregation Database (gnomAD). The available evidence is insufficient to determine the role of this variant in disease conclusively. Therefore, this variant is classified as a Variant of Uncertain Significance.

NM_000059.4(BRCA2):c.7265G>T (p.Cys2422Phe)

Gene: BRCA2 (BRCA2 DNA repair associated; plus strand). Cytogenetic location: 13q13.1.
Variant type: single nucleotide variant.
Coding change: c.7265G>T on transcript NM_000059.4 (MANE Select); coding-DNA position 7265, G replaced by T.
Protein change: p.Cys2422Phe; replaces cysteine 2422 with phenylalanine.
Molecular consequence: missense variant. On other transcripts: non-coding transcript variant (1).
Genome position (GRCh38, 1-based): chr13:32,355,118, G>T. VCF-style: chr13-32355118-G-T. GRCh37 (hg19) VCF-style: chr13-32929255-G-T.
Other names: c.7169G>T, p.Cys2390Phe (NM_001406719.1); c.7265G>T, p.Cys2422Phe (NM_001406720.1); c.2333G>T, p.Cys778Phe (NM_001406721.1); c.848G>T, p.Cys283Phe (NM_001406722.1); short protein forms C283F, C2390F, C778F, C2422F.
Identifiers: ClinVar variation 2774940 (VCV002774940.2), dbSNP rs2137557438, ClinGen allele CA387740568.